The following is an entry in ClinVar:

NM_004006.3(DMD):c.2893C>A (p.Pro965Thr)

Gene: DMD (dystrophin; minus strand). Cytogenetic location: Xp21.1.
Variant type: single nucleotide variant.
Coding change: c.2893C>A on transcript NM_004006.3 (MANE Select); coding-DNA position 2893, C replaced by A.
Protein change: p.Pro965Thr; replaces proline 965 with threonine.
Molecular consequence: missense variant.
Genome position (GRCh38, 1-based): chrX:32,472,220, G>T on the plus strand (C>A on the coding strand, the complement: DMD is on the minus strand). VCF-style: chrX-32472220-G-T. GRCh37 (hg19) VCF-style: chrX-32490337-G-T.
Other names: c.2869C>A, p.Pro957Thr (NM_000109.4); c.2881C>A, p.Pro961Thr (NM_004009.3); c.2524C>A, p.Pro842Thr (NM_004010.3); short protein forms P965T, P957T, P842T, P961T.
Identifiers: ClinVar variation 594622 (VCV000594622.12), dbSNP rs1431281003, ClinGen allele CA412668010.

ClinVar aggregate classification (germline): Uncertain significance. Review status: criteria provided, multiple submitters, no conflicts (2 of 4 stars). 2 submissions from 2 submitters: Uncertain significance (2). Last evaluated 2024-05-15.

Conditions:
Duchenne muscular dystrophy (DMD). Also called: MUSCULAR DYSTROPHY, PSEUDOHYPERTROPHIC PROGRESSIVE, DUCHENNE TYPE; Duchenne Muscular Dystrophy (DMD). Identifiers: Orphanet 98896, MedGen C0013264, MONDO:0010679, OMIM 310200.

Allele frequency attached by ClinVar (database versions not stated): TOPMed 0.00001.
gnomAD v4.1: 7 of 1,210,781 alleles (0.00058%); highest among the groups gnomAD compares: East Asian, 0.021%; no homozygotes.

Submissions (2):

Labcorp Genetics (formerly Invitae), Labcorp
Classification: Uncertain significance for Duchenne muscular dystrophy. Last evaluated: 2024-05-15. Review status: criteria provided, single submitter. Criteria: Invitae Variant Classification Sherloc (09022015). Collection method: clinical testing. Allele origin: germline.
Comment: This sequence change replaces proline, which is neutral and non-polar, with threonine, which is neutral and polar, at codon 965 of the DMD protein (p.Pro965Thr). This variant is not present in population databases (gnomAD no frequency). This variant has not been reported in the literature in individuals affected with DMD-related conditions. ClinVar contains an entry for this variant (Variation ID: 594622). Advanced modeling of protein sequence and biophysical properties (such as structural, functional, and spatial information, amino acid conservation, physicochemical variation, residue mobility, and thermodynamic stability) performed at Invitae indicates that this missense variant is not expected to disrupt DMD protein function with a negative predictive value of 95%. In summary, the available evidence is currently insufficient to determine the role of this variant in disease. Therefore, it has been classified as a Variant of Uncertain Significance.

Eurofins Ntd Llc (ga)
Classification: Uncertain significance. Last evaluated: 2017-10-25. Review status: criteria provided, single submitter. Criteria: EGL Classification Definitions 2015. Collection method: clinical testing. Allele origin: germline. Observed: 1 variant allele, 1 hemizygote.